The following is an entry in ClinVar:

NM_080680.3(COL11A2):c.451C>A (p.Arg151Ser)

Gene: COL11A2 (collagen type XI alpha 2 chain; minus strand). Cytogenetic location: 6p21.32.
Variant type: single nucleotide variant.
Coding change: c.451C>A on transcript NM_080680.3 (MANE Select); coding-DNA position 451, C replaced by A.
Protein change: p.Arg151Ser; replaces arginine 151 with serine.
Molecular consequence: missense variant. On other transcripts: 5 prime UTR variant (3), non-coding transcript variant (1).
Genome position (GRCh38, 1-based): chr6:33,188,517, G>T on the plus strand (C>A on the coding strand, the complement: COL11A2 is on the minus strand). VCF-style: chr6-33188517-G-T. GRCh37 (hg19) VCF-style: chr6-33156294-G-T.
Other names: c.451C>A, p.Arg151Ser (NM_001163771.2, NM_001424108.1, NM_080679.3 and 1 more transcripts); c.-396C>A (NM_001424109.1, NM_001424110.1, NM_001424111.1); short protein forms R151S.
Identifiers: ClinVar variation 2825259 (VCV002825259.3), dbSNP rs1443532726, ClinGen allele CA363611939.
Genomic context (GRCh38, chr6:33,188,517, plus strand): 5'-CTCGCTTCTTGCAGTCAACAATGAGGGTGACAGACTGGCCCTTCACAGCCACAGCCACAC[G>T]GTGCCACCTGGAAATGGTGGAAGAGGTTCAAGTGAACTCTTGGCTGACTGAAGTAGGGGA-3'
Protein context (NP_542411.2, residues 141-161): GLSLADGKWH[Arg151Ser]VAVAVKGQSV

ClinVar aggregate classification (germline): Uncertain significance (1 of 4 stars; one submission).

Allele frequency attached by ClinVar (database versions not stated): TOPMed below 0.00001.

Submission:

Labcorp Genetics (formerly Invitae), Labcorp
Classification: Uncertain significance. Last evaluated: 2023-02-27. Review status: criteria provided, single submitter. Criteria: Invitae Variant Classification Sherloc (09022015). Collection method: clinical testing. Allele origin: germline.
Comment: This sequence change replaces arginine, which is basic and polar, with serine, which is neutral and polar, at codon 151 of the COL11A2 protein (p.Arg151Ser). This variant is not present in population databases (gnomAD no frequency). In summary, the available evidence is currently insufficient to determine the role of this variant in disease. Therefore, it has been classified as a Variant of Uncertain Significance. Advanced modeling of protein sequence and biophysical properties (such as structural, functional, and spatial information, amino acid conservation, physicochemical variation, residue mobility, and thermodynamic stability) performed at Invitae indicates that this missense variant is not expected to disrupt COL11A2 protein function. This variant has not been reported in the literature in individuals affected with COL11A2-related conditions.